The following is an entry in ClinVar:

NM_000059.4(BRCA2):c.2330A>T (p.Asp777Val)

Gene: BRCA2 (BRCA2 DNA repair associated; plus strand). Cytogenetic location: 13q13.1.
Variant type: single nucleotide variant.
Coding change: c.2330A>T on transcript NM_000059.4 (MANE Select); coding-DNA position 2330, A replaced by T.
Protein change: p.Asp777Val; replaces aspartic acid 777 with valine.
Molecular consequence: missense variant. On other transcripts: non-coding transcript variant (1), intron variant (2).
Genome position (GRCh38, 1-based): chr13:32,336,685, A>T. VCF-style: chr13-32336685-A-T. GRCh37 (hg19) VCF-style: chr13-32910822-A-T.
Other names: c.2330A>T, p.Asp777Val (NM_001406719.1, NM_001406720.1); c.1909+3298A>T (NM_001406721.1); c.424+5655A>T (NM_001406722.1); short protein forms D777V.
Identifiers: ClinVar variation 3012647 (VCV003012647.3), dbSNP rs780489283, ClinGen allele CA387771534.
Genomic context (GRCh38, chr13:32,336,685, plus strand): 5'-AAAGTCTTTTATATGATCATGAAAATGCCAGCACTCTTATTTTAACTCCTACTTCCAAGG[A>T]TGTTCTGTCAAACCTAGTCATGATTTCTAGAGGCAAAGAATCATACAAAATGTCAGACAA-3'
Protein context (NP_000050.3, residues 767-787): STLILTPTSK[Asp777Val]VLSNLVMISR

ClinVar aggregate classification (germline): Uncertain significance (1 of 4 stars; one submission).

Conditions:
Hereditary breast ovarian cancer syndrome. Also called: BRCA1- and BRCA2-Associated Hereditary Breast and Ovarian Cancer; Hereditary breast and ovarian cancer; Hereditary breast and ovarian cancer syndrome; Breast and ovarian cancer; Hereditary breast and ovarian cancer syndrome (HBOC); Hereditary breast and/or ovarian cancer syndrome. Identifiers: Orphanet 145, MedGen C0677776, MeSH D061325, MONDO:0003582. Disease mechanism: loss of function.

Submission:

Labcorp Genetics (formerly Invitae), Labcorp
Classification: Uncertain significance for Hereditary breast ovarian cancer syndrome. Last evaluated: 2023-12-27. Review status: criteria provided, single submitter. Criteria: Invitae Variant Classification Sherloc (09022015). Collection method: clinical testing. Allele origin: germline.
Comment: This sequence change replaces aspartic acid, which is acidic and polar, with valine, which is neutral and non-polar, at codon 777 of the BRCA2 protein (p.Asp777Val). This variant is not present in population databases (gnomAD no frequency). This variant has not been reported in the literature in individuals affected with BRCA2-related conditions. Advanced modeling of protein sequence and biophysical properties (such as structural, functional, and spatial information, amino acid conservation, physicochemical variation, residue mobility, and thermodynamic stability) performed at Invitae indicates that this missense variant is not expected to disrupt BRCA2 protein function with a negative predictive value of 95%. In summary, the available evidence is currently insufficient to determine the role of this variant in disease. Therefore, it has been classified as a Variant of Uncertain Significance.